The following is an entry in ClinVar:

NM_001367624.2(ZNF469):c.11032A>T (p.Ser3678Cys)

Gene: ZNF469 (zinc finger protein 469; plus strand). Cytogenetic location: 16q24.2.
Variant type: single nucleotide variant.
Coding change: c.11032A>T on transcript NM_001367624.2 (MANE Select); coding-DNA position 11032, A replaced by T.
Protein change: p.Ser3678Cys; replaces serine 3678 with cysteine.
Molecular consequence: missense variant.
Genome position (GRCh38, 1-based): chr16:88,438,502, A>T. VCF-style: chr16-88438502-A-T. GRCh37 (hg19) VCF-style: chr16-88504910-A-T.
Other names: NM_001127464.1:c.10948A>T; short protein forms S3678C.
Identifiers: ClinVar variation 2281361 (VCV002281361.3), dbSNP rs1906766421, ClinGen allele CA397128832.

ClinVar aggregate classification (germline): Uncertain significance (1 of 4 stars; one submission).

Conditions:
Cardiovascular phenotype. Identifiers: MedGen CN230736.

gnomAD v4.1: 1 of 1,550,090 alleles (0.000065%); no homozygotes.

Submission:

Ambry Genetics
Classification: Uncertain significance for Cardiovascular phenotype. Last evaluated: 2025-05-24. Review status: criteria provided, single submitter. Criteria: Ambry Variant Classification Scheme 2023. Collection method: clinical testing. Allele origin: germline.
Comment: The p.S3650C variant (also known as c.10948A>T), located in coding exon 2 of the ZNF469 gene, results from an A to T substitution at nucleotide position 10948. The serine at codon 3650 is replaced by cysteine, an amino acid with dissimilar properties. This amino acid position is conserved. In addition, this alteration is predicted to be tolerated by in silico analysis. Based on the available evidence, the clinical significance of this variant remains unclear.